The following is an entry in ClinVar:

NM_001128840.3(CACNA1D):c.1533C>G (p.Phe511Leu)

Gene: CACNA1D (calcium voltage-gated channel subunit alpha1 D; plus strand). Cytogenetic location: 3p21.1.
Variant type: single nucleotide variant.
Coding change: c.1533C>G on transcript NM_001128840.3 (MANE Select); coding-DNA position 1533, C replaced by G.
Protein change: p.Phe511Leu; replaces phenylalanine 511 with leucine.
Molecular consequence: missense variant.
Genome position (GRCh38, 1-based): chr3:53,722,341, C>G. VCF-style: chr3-53722341-C-G. GRCh37 (hg19) VCF-style: chr3-53756368-C-G.
Other names: c.1593C>G, p.Phe531Leu (NM_000720.4); c.1533C>G, p.Phe511Leu (NM_001128839.3); c.1593C>G (NM_000720.2); short protein forms F531L, F511L.
Identifiers: ClinVar variation 2172928 (VCV002172928.5), dbSNP rs762756866, ClinGen allele CA2454029.

ClinVar aggregate classification (germline): Uncertain significance. Review status: criteria provided, multiple submitters, no conflicts (2 of 4 stars). 2 submissions from 2 submitters: Uncertain significance (2). Last evaluated 2025-04-18.

Conditions:
Inborn genetic diseases. Identifiers: MedGen C0950123, MeSH D030342.

Allele frequency attached by ClinVar (database versions not stated): ExAC 0.00001; gnomAD 0.00003; TOPMed 0.00003.
gnomAD v4.1: 45 of 1,614,126 alleles (0.0028%); highest among the groups gnomAD compares: African/African-American, 0.0053%; no homozygotes.

Submissions (2):

Ambry Genetics
Classification: Uncertain significance for Inborn genetic diseases. Last evaluated: 2025-04-18. Review status: criteria provided, single submitter. Criteria: Ambry Variant Classification Scheme 2023. Collection method: clinical testing. Allele origin: germline.

Labcorp Genetics (formerly Invitae), Labcorp
Classification: Uncertain significance. Last evaluated: 2025-01-22. Review status: criteria provided, single submitter. Criteria: Invitae Variant Classification Sherloc (09022015). Collection method: clinical testing. Allele origin: germline.
Comment: This sequence change replaces phenylalanine, which is neutral and non-polar, with leucine, which is neutral and non-polar, at codon 531 of the CACNA1D protein (p.Phe531Leu). This variant is present in population databases (rs762756866, gnomAD 0.004%). This variant has not been reported in the literature in individuals affected with CACNA1D-related conditions. ClinVar contains an entry for this variant (Variation ID: 2172928). Invitae Evidence Modeling of protein sequence and biophysical properties (such as structural, functional, and spatial information, amino acid conservation, physicochemical variation, residue mobility, and thermodynamic stability) indicates that this missense variant is not expected to disrupt CACNA1D protein function with a negative predictive value of 80%. In summary, the available evidence is currently insufficient to determine the role of this variant in disease. Therefore, it has been classified as a Variant of Uncertain Significance.